The following is an entry in ClinVar:

NM_001848.3(COL6A1):c.1609A>G (p.Asn537Asp)

Gene: COL6A1 (collagen type VI alpha 1 chain; plus strand). Cytogenetic location: 21q22.3.
Variant type: single nucleotide variant.
Coding change: c.1609A>G on transcript NM_001848.3 (MANE Select); coding-DNA position 1609, A replaced by G.
Protein change: p.Asn537Asp; replaces asparagine 537 with aspartic acid.
Molecular consequence: missense variant.
Genome position (GRCh38, 1-based): chr21:45,998,431, A>G. VCF-style: chr21-45998431-A-G. GRCh37 (hg19) VCF-style: chr21-47418345-A-G.
Other names: short protein forms N537D.
Identifiers: ClinVar variation 3613543 (VCV003613543.2).
Genomic context (GRCh38, chr21:45,998,431, plus strand): 5'-TATCACTGCCCTGCTTTTCCATGACAGGGGTATCCGGGCAACAGGGGCGCTCCCGGGATA[A>G]ACGTGAGTACGCCCCCTCCTCCATCTGGCTGTGGGCACACAAACATTCACAGTCACAGGG-3'
Protein context (NP_001839.2, residues 527-547): YPGNRGAPGI[Asn537Asp]GTKGYPGLKG

ClinVar aggregate classification (germline): Uncertain significance (1 of 4 stars; one submission).

Conditions:
Bethlem myopathy 1A. Also called: Bethlem myopathy 1; MYOPATHY, BENIGN CONGENITAL, WITH CONTRACTURES; Bethlem Muscular Dystrophy. Identifiers: Orphanet 610, MedGen CN029274, MONDO:0024530, OMIM 158810.

gnomAD v4.1: 5 of 1,613,290 alleles (0.00031%); highest among the groups gnomAD compares: Non-Finnish European, 0.00042%; no homozygotes.

Submission:

Labcorp Genetics (formerly Invitae), Labcorp
Classification: Uncertain significance for Bethlem myopathy 1A. Last evaluated: 2025-08-18. Review status: criteria provided, single submitter. Criteria: Invitae Variant Classification Sherloc (09022015). Collection method: clinical testing. Allele origin: germline.
Comment: This sequence change replaces asparagine, which is neutral and polar, with aspartic acid, which is acidic and polar, at codon 537 of the COL6A1 protein (p.Asn537Asp). This variant is present in population databases (rs765993449, gnomAD 0.0009%). This variant has not been reported in the literature in individuals affected with COL6A1-related conditions. ClinVar contains an entry for this variant (Variation ID: 3613543). An algorithm developed to predict the effect of missense changes on protein structure and function (PolyPhen-2) suggests that this variant is likely to be disruptive. In summary, the available evidence is currently insufficient to determine the role of this variant in disease. Therefore, it has been classified as a Variant of Uncertain Significance.